The following is an entry in ClinVar:

NM_001136157.2(OTUD5):c.716T>A (p.Met239Lys)

Gene: OTUD5 (OTU deubiquitinase 5; minus strand). Cytogenetic location: Xp11.23.
Variant type: single nucleotide variant.
Coding change: c.716T>A on transcript NM_001136157.2 (MANE Select); coding-DNA position 716, T replaced by A.
Protein change: p.Met239Lys; replaces methionine 239 with lysine.
Molecular consequence: missense variant.
Genome position (GRCh38, 1-based): chrX:48,934,991, A>T on the plus strand (T>A on the coding strand, the complement: OTUD5 is on the minus strand). VCF-style: chrX-48934991-A-T. GRCh37 (hg19) VCF-style: chrX-48792264-A-T.
Other names: c.716T>A, p.Met239Lys (NM_001136158.2, NM_017602.4); c.65T>A, p.Met22Lys (NM_001136159.2); short protein forms M22K, M239K.
Identifiers: ClinVar variation 2339112 (VCV002339112.3), dbSNP rs3027507, ClinGen allele CA329110494.

ClinVar aggregate classification (germline): Uncertain significance (1 of 4 stars; one submission).

Conditions:
Inborn genetic diseases. Identifiers: MedGen C0950123, MeSH D030342.

Submission:

Ambry Genetics
Classification: Uncertain significance for Inborn genetic diseases. Last evaluated: 2023-02-08. Review status: criteria provided, single submitter. Criteria: Ambry Variant Classification Scheme 2023. Collection method: clinical testing. Allele origin: germline.
Comment: The c.716T>A (p.M239K) alteration is located in exon 3 (coding exon 3) of the OTUD5 gene. This alteration results from a T to A substitution at nucleotide position 716, causing the methionine (M) at amino acid position 239 to be replaced by a lysine (K). This variant was not reported in population-based cohorts in the Genome Aggregation Database (gnomAD). This amino acid position is highly conserved in available vertebrate species. This missense alteration is located in a region that has a low rate of benign missense variation (Lek, 2016; Firth, 2009). The in silico prediction for this alteration is inconclusive. Based on insufficient or conflicting evidence, the clinical significance of this alteration remains unclear.